The following is an entry in ClinVar:

ClinVar aggregate classification (germline): Uncertain significance. Review status: criteria provided, multiple submitters, no conflicts (2 of 4 stars). 2 submissions from 2 submitters: Uncertain significance (2). Last evaluated 2025-03-18.

Allele frequency attached by ClinVar (database versions not stated): gnomAD 0.00009; gnomAD exomes 0.00010; TOPMed 0.00010; ESP Exome Variant Server 0.00015; ExAC 0.00009.
gnomAD v4.1: 165 of 1,612,794 alleles (0.01%); highest among the groups gnomAD compares: Non-Finnish European, 0.013%; no homozygotes.

Submissions (2):

Mayo Clinic Laboratories, Mayo Clinic
Classification: Uncertain significance. Last evaluated: 2025-03-18. Review status: criteria provided, single submitter. Criteria: ACMG Guidelines, 2015. Collection method: clinical testing. Allele origin: germline. Observed: 1 variant allele.
Comment: PM2_supporting

Labcorp Genetics (formerly Invitae), Labcorp
Classification: Uncertain significance. Last evaluated: 2022-03-25. Review status: criteria provided, single submitter. Criteria: Invitae Variant Classification Sherloc (09022015). Collection method: clinical testing. Allele origin: germline.
Comment: This sequence change falls in intron 83 of the VPS13C gene. It does not directly change the encoded amino acid sequence of the VPS13C protein. It affects a nucleotide within the consensus splice site. This variant is present in population databases (rs368174588, gnomAD 0.02%). This variant has not been reported in the literature in individuals affected with VPS13C-related conditions. Variants that disrupt the consensus splice site are a relatively common cause of aberrant splicing (PMID: 17576681, 9536098). Algorithms developed to predict the effect of sequence changes on RNA splicing suggest that this variant may disrupt the consensus splice site. In summary, the available evidence is currently insufficient to determine the role of this variant in disease. Therefore, it has been classified as a Variant of Uncertain Significance.

Literature cited by the submitters: PubMed 17576681 (cited by Labcorp Genetics (formerly Invitae), Labcorp); PubMed 9536098 (cited by Labcorp Genetics (formerly Invitae), Labcorp).

NM_020821.3(VPS13C):c.11076+3A>G

Gene: VPS13C (vacuolar protein sorting 13 homolog C; minus strand). Cytogenetic location: 15q22.2.
Variant type: single nucleotide variant.
Coding change: c.11076+3A>G on transcript NM_020821.3 (MANE Select); 3 bases into the intron after coding-DNA position 11076, A replaced by G.
Molecular consequence: intron variant.
Genome position (GRCh38, 1-based): chr15:61,856,283, T>C on the plus strand (A>G on the coding strand, the complement: VPS13C is on the minus strand). VCF-style: chr15-61856283-T-C. GRCh37 (hg19) VCF-style: chr15-62148482-T-C.
Other names: p.?; c.10947+3A>G (NM_017684.5).
Identifiers: ClinVar variation 2178001 (VCV002178001.5), dbSNP rs368174588, ClinGen allele CA7594111.